The following is an entry in ClinVar:

NM_000217.3(KCNA1):c.791C>T (p.Pro264Leu)

Gene: KCNA1 (potassium voltage-gated channel subfamily A member 1; plus strand). Cytogenetic location: 12p13.32.
Variant type: single nucleotide variant.
Coding change: c.791C>T on transcript NM_000217.3 (MANE Select); coding-DNA position 791, C replaced by T.
Protein change: p.Pro264Leu; replaces proline 264 with leucine.
Molecular consequence: missense variant.
Genome position (GRCh38, 1-based): chr12:4,912,169, C>T. VCF-style: chr12-4912169-C-T. GRCh37 (hg19) VCF-style: chr12-5021335-C-T.
Other names: short protein forms P264L.
Identifiers: ClinVar variation 4086736 (VCV004086736.1).

ClinVar aggregate classification (germline): Uncertain significance (1 of 4 stars; one submission).

Submission:

GeneDx
Classification: Uncertain significance. Last evaluated: 2025-03-18. Review status: criteria provided, single submitter. Criteria: GeneDx Variant Classification Process June 2021. Collection method: clinical testing. Allele origin: germline. Affected: yes.
Comment: Not observed at significant frequency in large population cohorts (gnomAD); In silico analysis supports that this missense variant has a deleterious effect on protein structure/function; Has not been previously published as pathogenic or benign to our knowledge